The following is an entry in ClinVar:

NM_024422.6(DSC2):c.2216T>C (p.Val739Ala)

Gene: DSC2 (desmocollin 2; minus strand). Cytogenetic location: 18q12.1.
Variant type: single nucleotide variant.
Coding change: c.2216T>C on transcript NM_024422.6 (MANE Select); coding-DNA position 2216, T replaced by C.
Protein change: p.Val739Ala; replaces valine 739 with alanine.
Molecular consequence: missense variant.
Genome position (GRCh38, 1-based): chr18:31,070,760, A>G on the plus strand (T>C on the coding strand, the complement: DSC2 is on the minus strand). VCF-style: chr18-31070760-A-G. GRCh37 (hg19) VCF-style: chr18-28650726-A-G.
Other names: c.1787T>C, p.Val596Ala (NM_001406506.1, NM_001406507.1); c.2216T>C, p.Val739Ala (NM_004949.5); short protein forms V596A, V739A.
Identifiers: ClinVar variation 3075168 (VCV003075168.1), dbSNP rs756785687, ClinGen allele CA035451.

ClinVar aggregate classification (germline): Uncertain significance (1 of 4 stars; one submission).

Conditions:
Familial isolated arrhythmogenic right ventricular dysplasia. Identifiers: Orphanet 217656, MedGen C4274968, MONDO:0016342.

Allele frequency attached by ClinVar (database versions not stated): gnomAD exomes below 0.00001; TOPMed below 0.00001; ExAC 0.00002.
gnomAD v4.1: 2 of 1,613,958 alleles (0.00012%); highest among the groups gnomAD compares: African/African-American, 0.0013%; no homozygotes.

Submission:

All of Us Research Program, National Institutes of Health
Classification: Uncertain significance for Familial isolated arrhythmogenic right ventricular dysplasia. Last evaluated: 2023-12-18. Review status: criteria provided, single submitter. Criteria: ACMG Guidelines, 2015. Collection method: clinical testing. Allele origin: germline. Inheritance: Autosomal dominant inheritance. Observed: 1 variant allele, 1 heterozygote.
Comment: This missense variant replaces valine with alanine at codon 739 of the DSC2 protein. Computational prediction suggests that this variant may not impact protein structure and function (internally defined REVEL score threshold <= 0.5, PMID: 27666373). To our knowledge, functional studies have not been reported for this variant. This variant has not been reported in individuals affected with DSC2-related disorders in the literature. This variant has been identified in 2/251294 chromosomes in the general population by the Genome Aggregation Database (gnomAD). The available evidence is insufficient to determine the role of this variant in disease conclusively. Therefore, this variant is classified as a Variant of Uncertain Significance.

This study involves interpretation of variants in research participants for the purpose of population health screening. Participant phenotype was not available at the time of variant classification. Additional details can be found in publication PMID: 35346344, PMCID: PMC8962531